The following is an entry in ClinVar:

ClinVar aggregate classification (germline): Likely benign. Review status: criteria provided, single submitter (1 of 4 stars). 2 submissions from 2 submitters: Likely benign (1). 1 of the submissions does not count toward it. Last evaluated 2018-03-02.

Conditions:
UCP3-related disorder. Also called: UCP3-related condition.

Allele frequency attached by ClinVar (database versions not stated): ExAC 0.00002; gnomAD exomes 0.00004; gnomAD 0.00005 and 0.00006; TOPMed 0.00005.
gnomAD v4.1: 70 of 1,613,710 alleles (0.0043%); highest among the groups gnomAD compares: African/African-American, 0.012%; no homozygotes.

Submissions (2):

Labcorp Genetics (formerly Invitae), Labcorp
Classification: Likely benign. Last evaluated: 2018-03-02. Review status: criteria provided, single submitter. Criteria: Invitae Variant Classification Sherloc (09022015). Collection method: clinical testing. Allele origin: germline.

PreventionGenetics, part of Exact Sciences
Classification: Likely benign for UCP3-related condition. Last evaluated: 2022-04-07. Review status: no assertion criteria provided. Collection method: clinical testing. Allele origin: germline. Not counted in ClinVar's aggregate classification.
Comment: This variant is classified as likely benign based on ACMG/AMP sequence variant interpretation guidelines (Richards et al. 2015 PMID: 25741868, with internal and published modifications).

NM_003356.4(UCP3):c.249C>T (p.Ala83=)

Gene: UCP3 (uncoupling protein 3; minus strand). Cytogenetic location: 11q13.4.
Variant type: single nucleotide variant.
Coding change: c.249C>T on transcript NM_003356.4 (MANE Select); coding-DNA position 249, C replaced by T.
Protein change: p.Ala83=; no amino-acid change (alanine 83 retained).
Molecular consequence: synonymous variant.
Genome position (GRCh38, 1-based): chr11:74,006,257, G>A on the plus strand (C>T on the coding strand, the complement: UCP3 is on the minus strand). VCF-style: chr11-74006257-G-A. GRCh37 (hg19) VCF-style: chr11-73717302-G-A.
Other names: c.249C>T, p.Ala83= (NM_022803.3).
Identifiers: ClinVar variation 736118 (VCV000736118.4), dbSNP rs777883919, ClinGen allele CA6181571.